The following is an entry in ClinVar:

ClinVar aggregate classification (germline): Uncertain significance (1 of 4 stars; one submission).

Conditions:
Hereditary cancer-predisposing syndrome. Also called: Neoplastic Syndromes, Hereditary; Tumor predisposition; Hereditary Cancer Syndrome; Hereditary neoplastic syndrome. Identifiers: Orphanet 140162, MedGen C0027672, MeSH D009386, MONDO:0015356.

Submission:

Ambry Genetics
Classification: Uncertain significance for Hereditary cancer-predisposing syndrome. Last evaluated: 2025-09-16. Review status: criteria provided, single submitter. Criteria: Ambry Variant Classification Scheme 2023. Collection method: clinical testing. Allele origin: germline.
Comment: The p.M292K variant (also known as c.875T>A), located in coding exon 1 of the MET gene, results from a T to A substitution at nucleotide position 875. The methionine at codon 292 is replaced by lysine, an amino acid with similar properties. This amino acid position is conserved. In addition, the in silico prediction for this alteration is inconclusive. Based on the available evidence, the clinical significance of this variant remains unclear.

NM_000245.4(MET):c.875T>A (p.Met292Lys)

Gene: MET (MET proto-oncogene, receptor tyrosine kinase; plus strand). Cytogenetic location: 7q31.2.
Variant type: single nucleotide variant.
Coding change: c.875T>A on transcript NM_000245.4 (MANE Select); coding-DNA position 875, T replaced by A.
Protein change: p.Met292Lys; replaces methionine 292 with lysine.
Molecular consequence: missense variant. On other transcripts: intron variant (1).
Genome position (GRCh38, 1-based): chr7:116,699,959, T>A. VCF-style: chr7-116699959-T-A. GRCh37 (hg19) VCF-style: chr7-116340013-T-A.
Other names: c.875T>A, p.Met292Lys (NM_001127500.3, NM_001324401.3); c.-91+27382T>A (NM_001324402.2); short protein forms M292K.
Identifiers: ClinVar variation 4647483 (VCV004647483.1).